The following is an entry in ClinVar:

NM_001371596.2(MFSD8):c.1434C>A (p.His478Gln)

Gene: MFSD8 (major facilitator superfamily domain containing 8; minus strand). Cytogenetic location: 4q28.2.
Variant type: single nucleotide variant.
Coding change: c.1434C>A on transcript NM_001371596.2 (MANE Select); coding-DNA position 1434, C replaced by A.
Protein change: p.His478Gln; replaces histidine 478 with glutamine.
Molecular consequence: missense variant.
Genome position (GRCh38, 1-based): chr4:127,920,753, G>T on the plus strand (C>A on the coding strand, the complement: MFSD8 is on the minus strand). VCF-style: chr4-127920753-G-T. GRCh37 (hg19) VCF-style: chr4-128841908-G-T.
Other names: c.1233C>A, p.His411Gln (NM_001363520.3); c.1119C>A, p.His373Gln (NM_001363521.3); c.1299C>A, p.His433Gln (NM_001371590.2); c.1443C>A, p.His481Gln (NM_001371591.2); c.1440C>A, p.His480Gln (NM_001371592.2); c.1320C>A, p.His440Gln (NM_001371593.2); c.1287C>A, p.His429Gln (NM_001371594.2); c.1152C>A, p.His384Gln (NM_001371595.1); and 3 more; short protein forms H429Q, H440Q, H481Q, H373Q, H480Q, H384Q, H411Q, H433Q.
Identifiers: ClinVar variation 1349633 (VCV001349633.9), dbSNP rs2148837142, ClinGen allele CA358170697.

ClinVar aggregate classification (germline): Uncertain significance (1 of 4 stars; one submission).

Conditions:
Neuronal ceroid lipofuscinosis 7 (CLN7). Also called: MFSD8-Related Neuronal Ceroid-Lipofuscinosis. Identifiers: Orphanet 168491, Orphanet 228366, MedGen C1838571, MONDO:0012588, OMIM 610951.

Submission:

Labcorp Genetics (formerly Invitae), Labcorp
Classification: Uncertain significance for Neuronal ceroid lipofuscinosis 7. Last evaluated: 2021-04-28. Review status: criteria provided, single submitter. Criteria: Invitae Variant Classification Sherloc (09022015). Collection method: clinical testing. Allele origin: germline.
Comment: This variant has not been reported in the literature in individuals with MFSD8-related conditions. This variant is not present in population databases (ExAC no frequency). This sequence change replaces histidine with glutamine at codon 478 of the MFSD8 protein (p.His478Gln). The histidine residue is weakly conserved and there is a small physicochemical difference between histidine and glutamine. Algorithms developed to predict the effect of missense changes on protein structure and function (SIFT, PolyPhen-2, Align-GVGD) all suggest that this variant is likely to be tolerated, but these predictions have not been confirmed by published functional studies and their clinical significance is uncertain. In summary, the available evidence is currently insufficient to determine the role of this variant in disease. Therefore, it has been classified as a Variant of Uncertain Significance.